The following is an entry in ClinVar:

ClinVar aggregate classification (germline): Uncertain significance (1 of 4 stars; one submission).

Conditions:
Renal cell carcinoma. Identifiers: Orphanet 217071, MedGen C0007134, MeSH D002292, MONDO:0005086, HP:0005584.

Allele frequency attached by ClinVar (database versions not stated): ExAC 0.00001.

Submission:

Labcorp Genetics (formerly Invitae), Labcorp
Classification: Uncertain significance for Renal cell carcinoma. Last evaluated: 2022-08-24. Review status: criteria provided, single submitter. Criteria: Invitae Variant Classification Sherloc (09022015). Collection method: clinical testing. Allele origin: germline.
Comment: In summary, the available evidence is currently insufficient to determine the role of this variant in disease. Therefore, it has been classified as a Variant of Uncertain Significance. Algorithms developed to predict the effect of missense changes on protein structure and function (SIFT, PolyPhen-2, Align-GVGD) all suggest that this variant is likely to be tolerated. This variant has not been reported in the literature in individuals affected with MET-related conditions. This variant is not present in population databases (gnomAD no frequency). This sequence change replaces serine, which is neutral and polar, with arginine, which is basic and polar, at codon 22 of the MET protein (p.Ser22Arg).

NM_000245.4(MET):c.66C>G (p.Ser22Arg)

Gene: MET (MET proto-oncogene, receptor tyrosine kinase; plus strand). Cytogenetic location: 7q31.2.
Variant type: single nucleotide variant.
Coding change: c.66C>G on transcript NM_000245.4 (MANE Select); coding-DNA position 66, C replaced by G.
Protein change: p.Ser22Arg; replaces serine 22 with arginine.
Molecular consequence: missense variant. On other transcripts: intron variant (1).
Genome position (GRCh38, 1-based): chr7:116,699,150, C>G. VCF-style: chr7-116699150-C-G. GRCh37 (hg19) VCF-style: chr7-116339204-C-G.
Other names: c.66C>G, p.Ser22Arg (NM_001127500.3, NM_001324401.3); c.-91+26573C>G (NM_001324402.2); short protein forms S22R.
Identifiers: ClinVar variation 1949562 (VCV001949562.5), dbSNP rs773018125, ClinGen allele CA4447938.